The following is an entry in ClinVar:

NM_001242896.3(DEPDC5):c.2745G>C (p.Glu915Asp)

Gene: DEPDC5 (DEP domain containing 5, GATOR1 subcomplex subunit; plus strand). Cytogenetic location: 22q12.3.
Variant type: single nucleotide variant.
Coding change: c.2745G>C on transcript NM_001242896.3 (MANE Select); coding-DNA position 2745, G replaced by C.
Protein change: p.Glu915Asp; replaces glutamic acid 915 with aspartic acid.
Molecular consequence: missense variant. On other transcripts: non-coding transcript variant (5).
Genome position (GRCh38, 1-based): chr22:31,843,756, G>C. VCF-style: chr22-31843756-G-C. GRCh37 (hg19) VCF-style: chr22-32239742-G-C.
Other names: c.2718G>C, p.Glu906Asp (NM_001136029.4, NM_001369903.1, NM_014662.6); c.2511G>C, p.Glu837Asp (NM_001242897.2, NM_001363854.2, NM_001364319.2); c.2745G>C, p.Glu915Asp (NM_001363852.2, NM_001364318.2, NM_001364320.2); c.2661G>C, p.Glu887Asp (NM_001369901.1, NM_001369902.1); short protein forms E837D, E887D, E906D, E915D.
Identifiers: ClinVar variation 3371194 (VCV003371194.1).
Genomic context (GRCh38, chr22:31,843,756, plus strand): 5'-CCACTCAGACTCAGAGTTCGTCTCCTGCTGGGTGGAATTCTCCCACGAACGGCTGGAGGA[G>C]TACAAGTGGAATTACTTAGATCAGTATATCTGTTCTGCCGGCTCTGAAGACTTCAGGTCA-3'
Protein context (NP_001229825.1, residues 905-925): WVEFSHERLE[Glu915Asp]YKWNYLDQYI

ClinVar aggregate classification (germline): Uncertain significance (1 of 4 stars; one submission).

Submission:

GeneDx
Classification: Uncertain significance. Last evaluated: 2024-03-23. Review status: criteria provided, single submitter. Criteria: GeneDx Variant Classification Process June 2021. Collection method: clinical testing. Allele origin: germline. Affected: yes.
Comment: Not observed at significant frequency in large population cohorts (gnomAD); In silico analysis supports that this missense variant does not alter protein structure/function; Has not been previously published as pathogenic or benign to our knowledge